The following is an entry in ClinVar:

NM_001130987.2(DYSF):c.4527+192A>G

Gene: DYSF (dysferlin; plus strand). Cytogenetic location: 2p13.2.
Variant type: single nucleotide variant.
Coding change: c.4527+192A>G on transcript NM_001130987.2 (MANE Select); 192 bases into the intron after coding-DNA position 4527, A replaced by G.
Molecular consequence: intron variant.
Genome position (GRCh38, 1-based): chr2:71,620,801, A>G. VCF-style: chr2-71620801-A-G. GRCh37 (hg19) VCF-style: chr2-71847931-A-G.
Other names: c.4503+7391A>G (NM_001130979.2); c.4524+192A>G (NM_001130981.2); c.4461+7391A>G (NM_001130980.2); c.4473+192A>G (NM_001130978.2); c.4410+7391A>G (NM_003494.4); c.4431+192A>G (NM_001130977.2); c.4368+7391A>G (NM_001130976.2); c.4506+7391A>G (NM_001130982.2); and 5 more.
Identifiers: ClinVar variation 678902 (VCV000678902.2), dbSNP rs191512096, ClinGen allele CA49785481.

ClinVar aggregate classification (germline): Likely benign. Review status: criteria provided, multiple submitters, no conflicts (2 of 4 stars). 2 submissions from 2 submitters: Likely benign (2). Last evaluated 2018-06-14.

Allele frequency attached by ClinVar (database versions not stated): 1000 Genomes Project 0.00180; 1000 Genomes Project 30x 0.00203; TOPMed 0.00300; gnomAD 0.00317 and 0.00328.
gnomAD v4.1: 489 of 152,246 alleles (0.32%); highest among the groups gnomAD compares: Non-Finnish European, 0.53%; 3 homozygotes.

Submissions (2):

GeneDx
Classification: Likely benign. Last evaluated: 2018-06-14. Review status: criteria provided, single submitter. Criteria: GeneDx Variant Classification (06012015). Collection method: clinical testing. Allele origin: germline. Affected: yes.
Comment: This variant is considered likely benign or benign based on one or more of the following criteria: it is a conservative change, it occurs at a poorly conserved position in the protein, it is predicted to be benign by multiple in silico algorithms, and/or has population frequency not consistent with disease.

Breakthrough Genomics
Classification: Likely benign. Review status: criteria provided, single submitter. Criteria: ACMG Guidelines, 2015. Collection method: not provided. Allele origin: germline. Inheritance: Autosomal recessive inheritance. Affected: yes.